The following is an entry in ClinVar:

NM_007194.4(CHEK2):c.588T>G (p.Asn196Lys)

Gene: CHEK2 (checkpoint kinase 2; minus strand). Cytogenetic location: 22q12.1.
Variant type: single nucleotide variant.
Coding change: c.588T>G on transcript NM_007194.4 (MANE Select); coding-DNA position 588, T replaced by G.
Protein change: p.Asn196Lys; replaces asparagine 196 with lysine.
Molecular consequence: missense variant. On other transcripts: 5 prime UTR variant (2), intron variant (1).
Genome position (GRCh38, 1-based): chr22:28,724,981, A>C on the plus strand (T>G on the coding strand, the complement: CHEK2 is on the minus strand). VCF-style: chr22-28724981-A-C. GRCh37 (hg19) VCF-style: chr22-29120969-A-C.
Other names: c.717T>G, p.Asn239Lys (NM_001005735.3, NM_001438294.1); c.-190T>G (NM_001257387.3); c.-76T>G (NM_001437942.1); c.681T>G, p.Asn227Lys (NM_001438293.1, NM_001438295.1); c.588T>G, p.Asn196Lys (NM_145862.3); c.445-58T>G (NM_001349956.3); short protein forms N196K, N239K, N227K.
Identifiers: ClinVar variation 3369501 (VCV003369501.1).
Genomic context (GRCh38, chr22:28,724,981, plus strand): 5'-CTCCTATGAGAGAGTGGAAAAAAAAAATTCCAGTAACCATAAGATAATAATATTACCTTT[A>C]TTTCTGCTTAGTGACAGTGCAATTTCAGAATTGTTATTCAAAGGACGGCGTTTTCCTTTC-3'
Protein context (NP_009125.1, residues 186-206): NSEIALSLSR[Asn196Lys]KVFVFFDLTV

ClinVar aggregate classification (germline): Uncertain significance (1 of 4 stars; one submission).

Submission:

GeneDx
Classification: Uncertain significance. Last evaluated: 2024-02-29. Review status: criteria provided, single submitter. Criteria: GeneDx Variant Classification Process June 2021. Collection method: clinical testing. Allele origin: germline. Affected: yes.
Comment: Not observed at significant frequency in large population cohorts (gnomAD); In silico analysis supports that this missense variant has a deleterious effect on protein structure/function; Has not been previously published as pathogenic or benign to our knowledge; This variant is associated with the following publications: (PMID: 22419737, 19782031)